The following is an entry in ClinVar:

NM_000059.4(BRCA2):c.7453C>T (p.Gln2485Ter)

Gene: BRCA2 (BRCA2 DNA repair associated; plus strand). Cytogenetic location: 13q13.1.
Variant type: single nucleotide variant.
Coding change: c.7453C>T on transcript NM_000059.4 (MANE Select); coding-DNA position 7453, C replaced by T.
Protein change: p.Gln2485Ter; replaces glutamine 2485 with a stop codon.
Molecular consequence: nonsense.
Genome position (GRCh38, 1-based): chr13:32,356,445, C>T. VCF-style: chr13-32356445-C-T. GRCh37 (hg19) VCF-style: chr13-32930582-C-T.
Other names: short protein forms Q2485*.
Identifiers: ClinVar variation 827061 (VCV000827061.7), dbSNP rs1593919442, ClinGen allele CA387743079.

ClinVar aggregate classification (germline): Pathogenic. Review status: criteria provided, multiple submitters, no conflicts (2 of 4 stars). 2 submissions from 2 submitters: Pathogenic (2). Last evaluated 2025-02-20.

Conditions:
Hereditary cancer-predisposing syndrome. Also called: Neoplastic Syndromes, Hereditary; Hereditary Cancer Syndrome; Hereditary neoplastic syndrome; Tumor predisposition. Identifiers: Orphanet 140162, MedGen C0027672, MeSH D009386, MONDO:0015356.
Breast-ovarian cancer, familial, susceptibility to, 2 (BROVCA2). Also called: BRCA2 Hereditary Breast and Ovarian Cancer. Identifiers: Orphanet 145, MedGen C2675520, MONDO:0012933, OMIM 612555. Disease mechanism: loss of function.

gnomAD v4.1: 1 of 1,613,762 alleles (0.000062%); highest among the groups gnomAD compares: Non-Finnish European, 0.000085%; no homozygotes.

Submissions (2):

Molecular Pathology, Peter Maccallum Cancer Centre
Classification: Pathogenic for Breast-ovarian cancer, familial, susceptibility to, 2. Last evaluated: 2025-02-20. Review status: criteria provided, single submitter. Criteria: ACMG Guidelines, 2015. Collection method: clinical testing. Allele origin: germline. Inheritance: Autosomal dominant inheritance.

Ambry Genetics
Classification: Pathogenic for Hereditary cancer-predisposing syndrome. Last evaluated: 2022-04-22. Review status: criteria provided, single submitter. Criteria: Ambry Variant Classification Scheme 2023. Collection method: clinical testing. Allele origin: germline.
Comment: The p.Q2485* pathogenic mutation (also known as c.7453C>T), located in coding exon 14 of the BRCA2 gene, results from a C to T substitution at nucleotide position 7453. This changes the amino acid from a glutamine to a stop codon within coding exon 14. This mutation (designated as c.7861C>T, p.Q2485X) was previously identified in a cohort of 131 women diagnosed with non-mucinous epithelial ovarian cancer (Schrader KA et al. Obstet. Gynecol. 2012 Aug;120(2 Pt 1):235-40). This variant is considered to be rare based on population cohorts in the Genome Aggregation Database (gnomAD). In addition to the clinical data presented in the literature, this alteration is expected to result in loss of function by premature protein truncation or nonsense-mediated mRNA decay. As such, this alteration is interpreted as a disease-causing mutation.